The following is an entry in ClinVar:

ClinVar aggregate classification (germline): Uncertain significance. Review status: criteria provided, multiple submitters, no conflicts (2 of 4 stars). 4 submissions from 4 submitters: Uncertain significance (4). Last evaluated 2026-07-07.

Conditions:
Congenital myopathy with fiber type disproportion. Also called: Congenital fiber-type disproportion; Congenital fiber-type disproportion myopathy. Identifiers: Orphanet 2020, MedGen C0546264, MONDO:0009711. Inheritance: all.
Malignant hyperthermia, susceptibility to, 1 (MHS1). Also called: RYR1-Related Malignant Hyperthermia Susceptibility; Anesthesia related hyperthermia; Malignant hyperpyrexia; Fulminating hyperpyrexia; Pharmacogenic myopathy; Malignant hyperthermia suceptibility 1. Identifiers: Orphanet 423, MedGen C2930980, MONDO:0007783, OMIM 145600.
King Denborough syndrome (KDS). Identifiers: MedGen C1840365, MONDO:0020485, OMIM 619542.
Central core myopathy (CMYO1A). Also called: Central core disease; Myopathy, central fibrillar; CONGENITAL MYOPATHY 1A, AUTOSOMAL DOMINANT, WITH SUSCEPTIBILITY TO MALIGNANT HYPERTHERMIA. Identifiers: Orphanet 597, MedGen C5830701, MONDO:0007294, OMIM 117000.
Congenital multicore myopathy with external ophthalmoplegia (CMYO1B). Also called: Minicore myopathy with external ophthalmoplegia; MULTIMINICORE DISEASE WITH EXTERNAL OPHTHALMOPLEGIA; Congenital myopathy 1B, autosomal recessive; Minicore myopathy; MULTICORE MYOPATHY. Identifiers: Orphanet 598, Orphanet 98905, MedGen C1850674, MONDO:0009712, OMIM 255320, HP:0003789.
RYR1-related disorder. Also called: RYR1-related condition; RYR1-related disorders. Identifiers: MedGen CN239331.
Inborn genetic diseases. Identifiers: MedGen C0950123, MeSH D030342.

Allele frequency attached by ClinVar (database versions not stated): TOPMed below 0.00001.
gnomAD v4.1: 30 of 1,614,262 alleles (0.0019%); highest among the groups gnomAD compares: Non-Finnish European, 0.0025%; no homozygotes.

Submissions (4):

Ambry Genetics
Classification: Uncertain significance for Inborn genetic diseases. Last evaluated: 2026-07-07. Review status: criteria provided, single submitter. Criteria: Ambry Variant Classification Scheme 2023. Collection method: clinical testing. Allele origin: germline.
Comment: The p.D329N variant (also known as c.985G>A), located in coding exon 11 of the RYR1 gene, results from a G to A substitution at nucleotide position 985. The aspartic acid at codon 329 is replaced by asparagine, an amino acid with highly similar properties. This amino acid position is conserved. In addition, the in silico prediction for this alteration is inconclusive. Based on the available evidence, the clinical significance of this variant remains unclear.

All of Us Research Program, National Institutes of Health
Classification: Uncertain significance for Malignant hyperthermia, susceptibility to, 1. Last evaluated: 2023-02-24. Review status: criteria provided, single submitter. Criteria: ACMG Guidelines, 2015. Collection method: clinical testing. Allele origin: germline. Inheritance: Autosomal dominant inheritance. Observed: 1 variant allele, 1 heterozygote.
Comment: This missense variant replaces aspartic acid with asparagine at codon 329 of the RYR1 protein. Computational prediction is inconclusive regarding the impact of this variant on protein structure and function (internally defined REVEL score threshold 0.5 < inconclusive < 0.7, PMID: 27666373). To our knowledge, functional studies have not been reported for this variant. This variant has not been reported in individuals affected with RYR1-related disorders in the literature. This variant has not been identified in the general population by the Genome Aggregation Database (gnomAD). The available evidence is insufficient to determine the role of this variant in disease conclusively. Therefore, this variant is classified as a Variant of Uncertain Significance.

This study involves interpretation of variants in research participants for the purpose of population health screening. Participant phenotype was not available at the time of variant classification. Additional details can be found in publication PMID: 35346344, PMCID: PMC8962531

Fulgent Genetics
Classification: Uncertain significance for Central core myopathy; Malignant hyperthermia, susceptibility to, 1; Congenital myopathy 4A, autosomal dominant; Congenital multicore myopathy with external ophthalmoplegia; King Denborough syndrome. Last evaluated: 2021-10-15. Review status: criteria provided, single submitter. Criteria: ACMG Guidelines, 2015. Collection method: clinical testing. Allele origin: unknown.

Labcorp Genetics (formerly Invitae), Labcorp
Classification: Uncertain significance for RYR1-related disorder. Last evaluated: 2021-08-26. Review status: criteria provided, single submitter. Criteria: Invitae Variant Classification Sherloc (09022015). Collection method: clinical testing. Allele origin: germline.
Comment: This sequence change replaces aspartic acid with asparagine at codon 329 of the RYR1 protein (p.Asp329Asn). The aspartic acid residue is highly conserved and there is a small physicochemical difference between aspartic acid and asparagine. This variant is not present in population databases (ExAC no frequency). This variant has not been reported in the literature in individuals affected with RYR1-related conditions. Advanced modeling of protein sequence and biophysical properties (such as structural, functional, and spatial information, amino acid conservation, physicochemical variation, residue mobility, and thermodynamic stability) performed at Invitae indicates that this missense variant is not expected to disrupt RYR1 protein function. In summary, the available evidence is currently insufficient to determine the role of this variant in disease. Therefore, it has been classified as a Variant of Uncertain Significance.

NM_000540.3(RYR1):c.985G>A (p.Asp329Asn)

Gene: RYR1 (ryanodine receptor 1; plus strand). Cytogenetic location: 19q13.2.
Variant type: single nucleotide variant.
Coding change: c.985G>A on transcript NM_000540.3 (MANE Select); coding-DNA position 985, G replaced by A.
Protein change: p.Asp329Asn; replaces aspartic acid 329 with asparagine.
Molecular consequence: missense variant.
Genome position (GRCh38, 1-based): chr19:38,448,676, G>A. VCF-style: chr19-38448676-G-A. GRCh37 (hg19) VCF-style: chr19-38939316-G-A.
Other names: c.985G>A (NM_000540.2); c.985G>A, p.Asp329Asn (NM_001042723.2); short protein forms D329N.
Identifiers: ClinVar variation 1430036 (VCV001430036.9), dbSNP rs1966919745, ClinGen allele CA405682704.